The following is an entry in ClinVar:

NM_000257.4(MYH7):c.1426C>G (p.Leu476Val)

Gene: MYH7 (myosin heavy chain 7; minus strand). Cytogenetic location: 14q11.2.
Variant type: single nucleotide variant.
Coding change: c.1426C>G on transcript NM_000257.4 (MANE Select); coding-DNA position 1426, C replaced by G.
Protein change: p.Leu476Val; replaces leucine 476 with valine.
Molecular consequence: missense variant.
Genome position (GRCh38, 1-based): chr14:23,428,652, G>C on the plus strand (C>G on the coding strand, the complement: MYH7 is on the minus strand). VCF-style: chr14-23428652-G-C. GRCh37 (hg19) VCF-style: chr14-23897861-G-C.
Other names: short protein forms L476V.
Identifiers: ClinVar variation 42845 (VCV000042845.9), dbSNP rs397516107, ClinGen allele CA010743.

ClinVar aggregate classification (germline): Uncertain significance. Review status: criteria provided, multiple submitters, no conflicts (2 of 4 stars). 2 submissions from 2 submitters: Uncertain significance (2). Last evaluated 2024-07-15.

Submissions (2):

GeneDx
Classification: Uncertain significance. Last evaluated: 2024-07-15. Review status: criteria provided, single submitter. Criteria: GeneDx Variant Classification Process June 2021. Collection method: clinical testing. Allele origin: germline. Affected: yes.
Comment: Reported in association with hypertrophic cardiomyopathy (HCM) in published literature (PMID: 27532257, 32746448, Rippert AL.Human Mutation. 2023); Not observed at significant frequency in large population cohorts (gnomAD); In silico analysis indicates that this missense variant does not alter protein structure/function; This variant is associated with the following publications: (PMID: 27532257, 37652022, 29300372, 32746448, Rippert2023[article])

Laboratory for Molecular Medicine, Mass General Brigham Personalized Medicine
Classification: Uncertain significance. Last evaluated: 2019-03-13. Review status: criteria provided, single submitter. Criteria: LMM Criteria. Collection method: clinical testing. Allele origin: germline. Observed: 1 variant allele.
Comment: The p.Leu476Val variant in MYH7 has not been previously reported in individuals with cardiomyopathy and was absent from large population studies. Computational prediction tools and conservation analysis do not provide strong support for or against an impact to the protein. Of note, this variant lies in the head region of the protein. Missense variants in this region have been reported and statistically indicated to be more likely to cause disease (Walsh 2016). In summary, the clinical significance of this variant is uncertain. ACMG/AMP Criteria applied: PM1, PM2.

Literature cited by the submitters: PubMed 27532257 (cited by Laboratory for Molecular Medicine, Mass General Brigham Personalized Medicine).